The following is an entry in ClinVar:

ClinVar aggregate classification (germline): Benign/Likely benign. Review status: criteria provided, multiple submitters, no conflicts (2 of 4 stars). 5 submissions from 5 submitters: Benign (1); Likely benign (4). Last evaluated 2026-06-25.

Conditions:
Hereditary cancer-predisposing syndrome. Also called: Hereditary neoplastic syndrome; Neoplastic Syndromes, Hereditary; Hereditary Cancer Syndrome; Tumor predisposition. Identifiers: Orphanet 140162, MedGen C0027672, MeSH D009386, MONDO:0015356.
Retinoblastoma (RB1). Also called: RETINOBLASTOMA, SOMATIC. Identifiers: Orphanet 790, MedGen C0035335, MeSH D012175, MONDO:0008380, OMIM 180200, HP:0009919. Disease mechanism: loss of function. Inheritance: Both sporadic and heritable forms are tested..

Allele frequency attached by ClinVar (database versions not stated): gnomAD exomes 0.00001 and 0.00007; TOPMed 0.00005; gnomAD 0.00004.
gnomAD v4.1: 102 of 1,613,316 alleles (0.0063%); highest among the groups gnomAD compares: Non-Finnish European, 0.0082%; no homozygotes.

Submissions (5):

Myriad Genetics, Inc.
Classification: Benign for Retinoblastoma. Last evaluated: 2026-06-25. Review status: criteria provided, single submitter. Criteria: Myriad Autosomal Dominant, Autosomal Recessive and X-Linked Classification Criteria (2023). Collection method: clinical testing. Allele origin: unknown.
Comment: This variant is considered benign. This variant is a silent/synonymous amino acid change and it is not expected to impact splicing.

Labcorp Genetics (formerly Invitae), Labcorp
Classification: Likely benign for Retinoblastoma. Last evaluated: 2025-12-10. Review status: criteria provided, single submitter. Criteria: Invitae Variant Classification Sherloc (09022015). Collection method: clinical testing. Allele origin: germline.

All of Us Research Program, National Institutes of Health
Classification: Likely benign for Retinoblastoma. Last evaluated: 2024-01-11. Review status: criteria provided, single submitter. Criteria: ACMG Guidelines, 2015. Collection method: clinical testing. Allele origin: germline. Inheritance: Autosomal dominant inheritance. Observed: 12 variant alleles, 12 heterozygotes.
Comment: This study involves interpretation of variants in research participants for the purpose of population health screening. Participant phenotype was not available at the time of variant classification. Additional details can be found in publication PMID: 35346344, PMCID: PMC8962531

Color Diagnostics, LLC DBA Color Health
Classification: Likely benign for Retinoblastoma. Last evaluated: 2022-05-12. Review status: criteria provided, single submitter. Criteria: ACMG Guidelines, 2015. Collection method: clinical testing. Allele origin: germline.

Ambry Genetics
Classification: Likely benign for Hereditary cancer-predisposing syndrome. Last evaluated: 2018-07-24. Review status: criteria provided, single submitter. Criteria: Ambry Variant Classification Scheme 2023. Collection method: clinical testing. Allele origin: germline.

NM_000321.3(RB1):c.2754T>C (p.Asp918=)

Gene: RB1 (RB transcriptional corepressor 1; plus strand). Cytogenetic location: 13q14.2.
Variant type: single nucleotide variant.
Coding change: c.2754T>C on transcript NM_000321.3 (MANE Select); coding-DNA position 2754, T replaced by C.
Protein change: p.Asp918=; no amino-acid change (aspartic acid 918 retained).
Molecular consequence: synonymous variant.
Genome position (GRCh38, 1-based): chr13:48,480,038, T>C. VCF-style: chr13-48480038-T-C. GRCh37 (hg19) VCF-style: chr13-49054174-T-C.
Identifiers: ClinVar variation 237671 (VCV000237671.19), dbSNP rs878853951, ClinGen allele CA10583162.